The following is an entry in ClinVar:

ClinVar aggregate classification (germline): Uncertain significance. Review status: reviewed by expert panel (3 of 4 stars). 9 submissions from 9 submitters: Uncertain significance (1). 8 of the submissions do not count toward it. Last evaluated 2025-08-01.

Conditions:
RYR1-related disorder. Also called: RYR1-related disorders; RYR1-related condition. Identifiers: MedGen CN239331.
Congenital multicore myopathy with external ophthalmoplegia (CMYO1B). Also called: MULTICORE MYOPATHY; Minicore myopathy with external ophthalmoplegia; Congenital myopathy 1B, autosomal recessive; Minicore myopathy; MULTIMINICORE DISEASE WITH EXTERNAL OPHTHALMOPLEGIA. Identifiers: Orphanet 598, Orphanet 98905, MedGen C1850674, MONDO:0009712, OMIM 255320, HP:0003789.
King Denborough syndrome (KDS). Identifiers: MedGen C1840365, MONDO:0020485, OMIM 619542.
Central core myopathy (CMYO1A). Also called: Central core disease; Myopathy, central fibrillar; CONGENITAL MYOPATHY 1A, AUTOSOMAL DOMINANT, WITH SUSCEPTIBILITY TO MALIGNANT HYPERTHERMIA. Identifiers: Orphanet 597, MedGen C5830701, MONDO:0007294, OMIM 117000.
Congenital myopathy with fiber type disproportion. Also called: Congenital fiber-type disproportion myopathy; Congenital fiber-type disproportion. Identifiers: Orphanet 2020, MedGen C0546264, MONDO:0009711. Inheritance: all.
Malignant hyperthermia, susceptibility to, 1 (MHS1). Also called: RYR1-Related Malignant Hyperthermia Susceptibility; Malignant hyperthermia suceptibility 1; Anesthesia related hyperthermia; Malignant hyperpyrexia; Fulminating hyperpyrexia; Pharmacogenic myopathy. Identifiers: Orphanet 423, MedGen C2930980, MONDO:0007783, OMIM 145600.

Allele frequency attached by ClinVar (database versions not stated): gnomAD exomes below 0.00001 and 0.00001; ExAC 0.00002; gnomAD 0.00005 and 0.00006; TOPMed 0.00006; ESP Exome Variant Server 0.00008.
gnomAD v4.1: 13 of 1,613,900 alleles (0.00081%); highest among the groups gnomAD compares: African/African-American, 0.0093%; no homozygotes.

Submissions (9):

ClinGen Malignant Hyperthermia Susceptibility Variant Curation Expert Panel, ClinGen
Classification: Uncertain significance for Malignant hyperthermia, susceptibility to, 1. Last evaluated: 2025-08-01. Review status: reviewed by expert panel. Criteria: ClinGen MHS ACMG Specifications V2. Collection method: curation. Allele origin: germline. Inheritance: Autosomal dominant inheritance.
Comment: This pathogenicity assessment is relevant only for malignant hyperthermia susceptibility (MHS) inherited in an autosomal dominant pattern. Variants in RYR1 can also cause other myopathies inherited in an autosomal dominant pattern or in an autosomal recessive pattern. Some of these disorders may predispose individuals to malignant hyperthermia. RYR1 variants may also contribute to a malignant hyperthermia reaction in combination with other genetic and non-genetic factors and the clinician needs to consider such factors in making management decisions. This sequence variant predicts a substitution of valine with isoleucine at codon 2214 of the RYR1 protein, p.Val2214Ile. The maximum allele frequency for this variant among the six major gnomAD populations is AFR: 0.00016, a frequency consistent with pathogenicity for MHS. This variant has been reported in an individual with a personal or family history of an MH episode and a positive in vitro contracture test (IVCT) or caffeine halothane contracture test (CHCT) result (if the proband was unavailable for testing, a positive diagnostic test result in a mutation-positive relative was counted), however, the high MAF in the AFR population in gnomAD precludes the use of PS4 (PMID:11575529). No functional studies were identified for this variant. This variant resides in a region of RYR1 considered to be a hotspot for pathogenic variants that contribute to MHS, PM1 (PMID: 21118704). A REVEL score of 0.798 supports neither a pathogenic nor a benign status for this variant. This variant has been classified as a Variant of Unknown Significance. Criteria implemented: PM1.

Color Diagnostics, LLC DBA Color Health
Classification: Uncertain significance for Malignant hyperthermia, susceptibility to, 1. Last evaluated: 2025-05-12. Review status: criteria provided, single submitter. Criteria: ACMG Guidelines, 2015. Collection method: clinical testing. Allele origin: germline. Not counted in ClinVar's aggregate classification.
Comment: This missense variant replaces valine with isoleucine at codon 2214 of the RYR1 protein. Computational prediction suggests that this variant may have deleterious impact on protein structure and function. This variant occurs in a region of the RYR1 protein that is considered to be a hotspot for pathogenic variants that contribute to malignant hyperthermia susceptibility (PMID: 21118704). To our knowledge, functional studies have not been reported for this variant. This variant has been reported in individuals affected with malignant hyperthermia susceptibility (PMID: 11575529ClinVar Accession: SCV000660002.7). This variant has been identified in 4/282508 chromosomes in the general population by the Genome Aggregation Database (gnomAD). Although there is suspicion that this variant may be associated with disease, additional studies are necessary to determine the role of this variant in disease conclusively. Therefore, this variant is classified as a Variant of Uncertain Significance.

Labcorp Genetics (formerly Invitae), Labcorp
Classification: Pathogenic for RYR1-related disorder. Last evaluated: 2025-02-04. Review status: criteria provided, single submitter. Criteria: Invitae Variant Classification Sherloc (09022015). Collection method: clinical testing. Allele origin: germline. Not counted in ClinVar's aggregate classification.
Comment: This sequence change replaces valine, which is neutral and non-polar, with isoleucine, which is neutral and non-polar, at codon 2214 of the RYR1 protein (p.Val2214Ile). This variant is present in population databases (rs193922795, gnomAD 0.02%). This missense change has been observed in individuals with autosomal dominant malignant hyperthermia (PMID: 11575529; internal data). ClinVar contains an entry for this variant (Variation ID: 133168). Invitae Evidence Modeling of protein sequence and biophysical properties (such as structural, functional, and spatial information, amino acid conservation, physicochemical variation, residue mobility, and thermodynamic stability) indicates that this missense variant is expected to disrupt RYR1 protein function with a positive predictive value of 80%. For these reasons, this variant has been classified as Pathogenic.

All of Us Research Program, National Institutes of Health
Classification: Uncertain significance for Malignant hyperthermia, susceptibility to, 1. Last evaluated: 2024-08-06. Review status: criteria provided, single submitter. Criteria: ACMG Guidelines, 2015. Collection method: clinical testing. Allele origin: germline. Inheritance: Autosomal dominant inheritance. Observed: 2 variant alleles, 2 heterozygotes. Not counted in ClinVar's aggregate classification.
Comment: This study involves interpretation of variants in research participants for the purpose of population health screening. Participant phenotype was not available at the time of variant classification. Additional details can be found in publication PMID: 35346344, PMCID: PMC8962531

Genomic Medicine Center of Excellence, King Faisal Specialist Hospital and Research Centre
Classification: Uncertain significance for Central core myopathy. Last evaluated: 2024-03-25. Review status: criteria provided, single submitter. Criteria: ACMG Guidelines, 2015. Collection method: research. Allele origin: germline. Not counted in ClinVar's aggregate classification.

Fulgent Genetics
Classification: Uncertain significance for Central core myopathy; Malignant hyperthermia, susceptibility to, 1; Congenital myopathy 4A, autosomal dominant; Congenital multicore myopathy with external ophthalmoplegia; King Denborough syndrome. Last evaluated: 2021-08-25. Review status: criteria provided, single submitter. Criteria: ACMG Guidelines, 2015. Collection method: clinical testing. Allele origin: unknown. Not counted in ClinVar's aggregate classification.

Eurofins Ntd Llc (ga)
Classification: Uncertain significance. Last evaluated: 2014-11-15. Review status: criteria provided, single submitter. Criteria: EGL Classification Definitions 2015. Collection method: clinical testing. Allele origin: germline. Observed: 1 variant allele, 1 heterozygote. Not counted in ClinVar's aggregate classification.

CSER _CC_NCGL, University of Washington
Classification: Uncertain significance for Malignant hyperthermia. Last evaluated: 2014-06-01. Review status: no assertion criteria provided. Collection method: research. Allele origin: germline. Inheritance: Autosomal dominant inheritance. Study: ESP 6500 variant annotation. Not counted in ClinVar's aggregate classification.
Comment: Variants classified for the Actionable exomic incidental findings in 6503 participants: challenges of variant classification manuscript

RYR1 database
No classification provided. Review status: no classification provided. Collection method: not provided. Allele origin: unknown. Not counted in ClinVar's aggregate classification.

Literature cited by the submitters: PubMed 11575529 (cited by 3 submitters); PubMed 21118704 (cited by Color Diagnostics, LLC DBA Color Health).

NM_000540.3(RYR1):c.6640G>A (p.Val2214Ile)

Gene: RYR1 (ryanodine receptor 1; plus strand). Cytogenetic location: 19q13.2.
Variant type: single nucleotide variant.
Coding change: c.6640G>A on transcript NM_000540.3 (MANE Select); coding-DNA position 6640, G replaced by A.
Protein change: p.Val2214Ile; replaces valine 2214 with isoleucine.
Molecular consequence: missense variant.
Genome position (GRCh38, 1-based): chr19:38,496,306, G>A. VCF-style: chr19-38496306-G-A. GRCh37 (hg19) VCF-style: chr19-38986946-G-A.
Other names: c.6640G>A (NM_000540.2); c.6640G>A, p.Val2214Ile (NM_001042723.2); short protein forms V2214I.
Identifiers: ClinVar variation 133168 (VCV000133168.21), dbSNP rs193922795, ClinGen allele CA024634.